The following is an entry in ClinVar:

NM_002528.7(NTHL1):c.81_82delinsAT (p.Pro28Ser)

Gene: NTHL1 (nth like DNA glycosylase 1; minus strand). Cytogenetic location: 16p13.3.
Variant type: Indel.
Coding change: c.81_82delinsAT on transcript NM_002528.7 (MANE Select); coding-DNA positions 81 to 82, GC replaced by AT.
Protein change: p.Pro28Ser; replaces proline 28 with serine.
Molecular consequence: missense variant. On other transcripts: 5 prime UTR variant (1).
Genome position (GRCh38, 1-based): chr16:2,047,742-2,047,743, GC replaced by AT on the plus strand (GC replaced by AT on the coding strand, the reverse complement: NTHL1 is on the minus strand). VCF-style: chr16-2047742-GC-AT. GRCh37 (hg19) VCF-style: chr16-2097743-GC-AT.
Other names: c.81_82delinsAT, p.Pro28Ser (NM_001318193.2); c.-98_-97delinsAT (NM_001318194.2); short protein forms P28S.
Identifiers: ClinVar variation 1776749 (VCV001776749.8), dbSNP rs2548331284, ClinGen allele CA2580090498.
Genomic context (GRCh38, chr16:2,047,742, plus strand): 5'-CACGCTCCAGCCACGGCGCGGCGCTACCTGCTGCAGCCTCTCTTCTCCGGAGAGGCCCGG[GC>AT]TCCTCCCTACACCCCCGCGGCCCAGCCCCGGGTCCCAGGCTCCGGCTCCGGGTCAGCATC-3'
Protein context (NP_002519.2, residues 18-38): GAGPRGCREE[Pro28Ser]GPLRRREAAA

ClinVar aggregate classification (germline): Conflicting classifications of pathogenicity. Review status: criteria provided, conflicting classifications (1 of 4 stars). 2 submissions from 2 submitters: Uncertain significance (1); Likely benign (1). Last evaluated 2025-08-26.

Conditions:
Hereditary cancer-predisposing syndrome. Also called: Neoplastic Syndromes, Hereditary; Tumor predisposition; Hereditary Cancer Syndrome; Hereditary neoplastic syndrome. Identifiers: Orphanet 140162, MedGen C0027672, MeSH D009386, MONDO:0015356.

Submissions (2):

Ambry Genetics
Classification: Likely benign for Hereditary cancer-predisposing syndrome. Last evaluated: 2025-08-26. Review status: criteria provided, single submitter. Criteria: Ambry Variant Classification Scheme 2023. Collection method: clinical testing. Allele origin: germline.

Labcorp Genetics (formerly Invitae), Labcorp
Classification: Uncertain significance. Last evaluated: 2024-08-03. Review status: criteria provided, single submitter. Criteria: Invitae Variant Classification Sherloc (09022015). Collection method: clinical testing. Allele origin: germline.
Comment: This sequence change replaces proline, which is neutral and non-polar, with serine, which is neutral and polar, at codon 36 of the NTHL1 protein (p.Pro36Ser). Information on the frequency of this variant in the gnomAD database is not available, as this variant may be reported differently in the database. This variant has not been reported in the literature in individuals affected with NTHL1-related conditions. ClinVar contains an entry for this variant (Variation ID: 1776749). Experimental studies and prediction algorithms are not available or were not evaluated, and the functional significance of this variant is currently unknown. In summary, the available evidence is currently insufficient to determine the role of this variant in disease. Therefore, it has been classified as a Variant of Uncertain Significance.